The following is an entry in ClinVar:

NM_000208.4(INSR):c.25dup (p.Ala9fs)

Gene: INSR (insulin receptor; minus strand). Cytogenetic location: 19p13.2.
Variant type: Duplication.
Coding change: c.25dup on transcript NM_000208.4 (MANE Select); coding-DNA position 25, one base duplicated (G; older notation c.25dupG).
Protein change: p.Ala9fs; shifts the reading frame from alanine 9.
Molecular consequence: frameshift variant.
Genome position (GRCh38, 1-based): chr19:7,293,867, C duplicated on the plus strand (G on the coding strand, the reverse complement: INSR is on the minus strand); the first of 6 consecutive C bases (chr19:7,293,867-7,293,872); duplicating any one gives the same sequence. VCF-style (leftmost placement, unchanged base first): chr19-7293866-G-GC. GRCh37 (hg19) VCF-style: chr19-7293877-G-GC.
Other names: c.25dup, p.Ala9fs (NM_001079817.3); short protein forms A9fs.
Identifiers: ClinVar variation 2027676 (VCV002027676.4), dbSNP rs2512557187, ClinGen allele CA631452925.
Genomic context (GRCh38, chr19:7,293,866, plus strand): 5'-AGGTGGCCCGCGGCGCCCAGTAGCAGCGCGGCCACCGCCACCAGCAGCGGCGCGGCCGCC[G>GC]CCCCCCGCCGGCCCCCGGTGGCCATGGCTGCGGGAGCGCGGGGTCTCCTCGGATCAGAGC-3'

ClinVar aggregate classification (germline): Pathogenic (1 of 4 stars; one submission).

Submission:

Labcorp Genetics (formerly Invitae), Labcorp
Classification: Pathogenic. Last evaluated: 2022-09-29. Review status: criteria provided, single submitter. Criteria: Invitae Variant Classification Sherloc (09022015). Collection method: clinical testing. Allele origin: germline.
Comment: This variant has not been reported in the literature in individuals affected with INSR-related conditions. This variant is not present in population databases (gnomAD no frequency). This sequence change creates a premature translational stop signal (p.Ala9Glyfs*38) in the INSR gene. It is expected to result in an absent or disrupted protein product. Loss-of-function variants in INSR are known to be pathogenic (PMID: 12023989, 26160152). For these reasons, this variant has been classified as Pathogenic.

Literature cited by the submitters: PubMed 12023989; PubMed 26160152.